The following is an entry in ClinVar:

NM_003579.4(RAD54L):c.385C>T (p.His129Tyr)

Gene: RAD54L (RAD54 like; plus strand). Cytogenetic location: 1p34.1.
Variant type: single nucleotide variant.
Coding change: c.385C>T on transcript NM_003579.4 (MANE Select); coding-DNA position 385, C replaced by T.
Protein change: p.His129Tyr; replaces histidine 129 with tyrosine.
Molecular consequence: missense variant. On other transcripts: 5 prime UTR variant (1).
Genome position (GRCh38, 1-based): chr1:46,260,077, C>T. VCF-style: chr1-46260077-C-T. GRCh37 (hg19) VCF-style: chr1-46725749-C-T.
Other names: c.385C>T, p.His129Tyr (NM_001142548.2); c.-156C>T (NM_001370766.1); short protein forms H129Y.
Identifiers: ClinVar variation 1735587 (VCV001735587.2), dbSNP rs765617406, ClinGen allele CA834228.

ClinVar aggregate classification (germline): Uncertain significance (1 of 4 stars; one submission).

Allele frequency attached by ClinVar (database versions not stated): ExAC 0.00001; gnomAD exomes 0.00001; TOPMed 0.00002.

Submission:

Ambry Genetics
Classification: Uncertain significance. Last evaluated: 2024-03-20. Review status: criteria provided, single submitter. Criteria: Ambry Variant Classification Scheme 2023. Collection method: clinical testing. Allele origin: germline.
Comment: The p.H129Y variant (also known as c.385C>T), located in coding exon 5 of the RAD54L gene, results from a C to T substitution at nucleotide position 385. The histidine at codon 129 is replaced by tyrosine, an amino acid with similar properties. This amino acid position is conserved. In addition, this alteration is predicted to be deleterious by in silico analysis. Since supporting evidence is limited at this time, the clinical significance of this alteration remains unclear.